The following is an entry in ClinVar:

ClinVar aggregate classification (germline): Uncertain significance (1 of 4 stars; one submission).

Conditions:
Familial cold autoinflammatory syndrome 2 (FCAS2). Identifiers: Orphanet 247868, MedGen C2673198, MONDO:0012724, OMIM 611762.

gnomAD v4.1: 44 of 1,613,890 alleles (0.0027%); no homozygotes.

Submission:

Labcorp Genetics (formerly Invitae), Labcorp
Classification: Uncertain significance for Familial cold autoinflammatory syndrome 2. Last evaluated: 2025-10-22. Review status: criteria provided, single submitter. Criteria: Invitae Variant Classification Sherloc (09022015). Collection method: clinical testing. Allele origin: germline.
Comment: This sequence change replaces proline, which is neutral and non-polar, with leucine, which is neutral and non-polar, at codon 334 of the NLRP12 protein (p.Pro334Leu). This variant is present in population databases (rs780487558, gnomAD 0.07%), and has an allele count higher than expected for a pathogenic variant. This variant has not been reported in the literature in individuals affected with NLRP12-related conditions. Invitae Evidence Modeling of protein sequence and biophysical properties (such as structural, functional, and spatial information, amino acid conservation, physicochemical variation, residue mobility, and thermodynamic stability) has been performed for this missense variant. However, the output from this modeling did not meet the statistical confidence thresholds required to predict the impact of this variant on NLRP12 protein function. In summary, the available evidence is currently insufficient to determine the role of this variant in disease. Therefore, it has been classified as a Variant of Uncertain Significance.

NM_144687.4(NLRP12):c.1001C>T (p.Pro334Leu)

Gene: NLRP12 (NLR family pyrin domain containing 12; minus strand). Cytogenetic location: 19q13.42.
Variant type: single nucleotide variant.
Coding change: c.1001C>T on transcript NM_144687.4 (MANE Select); coding-DNA position 1001, C replaced by T.
Protein change: p.Pro334Leu; replaces proline 334 with leucine.
Molecular consequence: missense variant.
Genome position (GRCh38, 1-based): chr19:53,810,658, G>A on the plus strand (C>T on the coding strand, the complement: NLRP12 is on the minus strand). VCF-style: chr19-53810658-G-A. GRCh37 (hg19) VCF-style: chr19-54313912-G-A.
Other names: c.1001C>T, p.Pro334Leu (NM_001277126.2, NM_001277129.1); short protein forms P334L.
Identifiers: ClinVar variation 4766532 (VCV004766532.1).